The following is an entry in ClinVar:

ClinVar aggregate classification (germline): Conflicting classifications of pathogenicity. Review status: criteria provided, conflicting classifications (1 of 4 stars). 5 submissions from 5 submitters: Uncertain significance (1); Benign (1); Likely benign (2). 1 of the submissions does not count toward it. Last evaluated 2026-05-01.

Conditions:
Inborn genetic diseases. Identifiers: MedGen C0950123, MeSH D030342.
Microcephaly 1, primary, autosomal recessive (MCPH1). Also called: PREMATURE CHROMOSOME CONDENSATION SYNDROME; PCC SYNDROME; PREMATURE CHROMOSOME CONDENSATION WITH MICROCEPHALY AND MENTAL RETARDATION. Identifiers: Orphanet 2512, MedGen C1855081, MONDO:0009617, OMIM 251200.

Allele frequency attached by ClinVar (database versions not stated): gnomAD 0.00003 and 0.00020; TOPMed 0.00005; gnomAD exomes 0.00037; ExAC 0.00094; 1000 Genomes Project 30x 0.00187; 1000 Genomes Project 0.00200.
gnomAD v4.1: 593 of 1,613,970 alleles (0.037%); highest among the groups gnomAD compares: South Asian, 0.59%; 5 homozygotes.

Submissions (5):

CeGaT Center for Human Genetics Tuebingen
Classification: Likely benign. Last evaluated: 2026-05-01. Review status: criteria provided, single submitter. Criteria: CeGaT Center For Human Genetics Tuebingen Variant Classification Criteria Version 2. Collection method: clinical testing. Allele origin: germline. Affected: yes. Observed: 1 variant allele.
Comment: MCPH1: BP4

Labcorp Genetics (formerly Invitae), Labcorp
Classification: Benign. Last evaluated: 2026-01-28. Review status: criteria provided, single submitter. Criteria: Invitae Variant Classification Sherloc (09022015). Collection method: clinical testing. Allele origin: germline.

Ambry Genetics
Classification: Likely benign for Inborn genetic diseases. Last evaluated: 2024-08-27. Review status: criteria provided, single submitter. Criteria: Ambry Variant Classification Scheme 2023. Collection method: clinical testing. Allele origin: germline.

Illumina Laboratory Services, Illumina
Classification: Uncertain significance for Microcephaly 1, primary, autosomal recessive. Last evaluated: 2018-01-12. Review status: criteria provided, single submitter. Criteria: ICSL Variant Classification Criteria 13 December 2019. Collection method: clinical testing. Allele origin: germline.

Genetic Services Laboratory, University of Chicago
Classification: Likely benign. Last evaluated: 2022-09-21. Review status: no assertion criteria provided. Collection method: clinical testing. Allele origin: germline. Affected: no. Not counted in ClinVar's aggregate classification.

NM_024596.5(MCPH1):c.1876G>A (p.Gly626Ser)

Gene: MCPH1 (microcephalin 1; plus strand). Cytogenetic location: 8p23.1.
Variant type: single nucleotide variant.
Coding change: c.1876G>A on transcript NM_024596.5 (MANE Select); coding-DNA position 1876, G replaced by A.
Protein change: p.Gly626Ser; replaces glycine 626 with serine.
Molecular consequence: missense variant.
Genome position (GRCh38, 1-based): chr8:6,455,193, G>A. VCF-style: chr8-6455193-G-A. GRCh37 (hg19) VCF-style: chr8-6312714-G-A.
Other names: c.1876G>A, p.Gly626Ser (NM_001322042.2, NM_001363979.1, NM_001363980.2); c.1876G>A (NM_024596.4); short protein forms G626S.
Identifiers: ClinVar variation 363530 (VCV000363530.16), dbSNP rs189380942, ClinGen allele CA4610689.